The following is an entry in ClinVar:

ClinVar aggregate classification (germline): Uncertain significance (1 of 4 stars; one submission).

Submission:

GeneDx
Classification: Uncertain significance. Last evaluated: 2026-01-27. Review status: criteria provided, single submitter. Criteria: GeneDx Variant Classification Process June 2021. Collection method: clinical testing. Allele origin: germline.
Comment: Identified in a patient with adultonset leukoencephalopathy with axonal spheroids and pigmented glia, but it is unknown which other genes associated with leukoencephalopathy were included in the analysis (PMID: 39031193); Not observed at significant frequency in large population cohorts (gnomAD); In silico analysis supports that this missense variant has a deleterious effect on protein structure/function; This variant is associated with the following publications: (PMID: 39031193)

NM_001288705.3(CSF1R):c.2642C>T (p.Ala881Val)

Gene: CSF1R (colony stimulating factor 1 receptor; minus strand). Cytogenetic location: 5q32.
Variant type: single nucleotide variant.
Coding change: c.2642C>T on transcript NM_001288705.3 (MANE Select); coding-DNA position 2642, C replaced by T.
Protein change: p.Ala881Val; replaces alanine 881 with valine.
Molecular consequence: missense variant. On other transcripts: non-coding transcript variant (2).
Genome position (GRCh38, 1-based): chr5:150,055,249, G>A on the plus strand (C>T on the coding strand, the complement: CSF1R is on the minus strand). VCF-style: chr5-150055249-G-A. GRCh37 (hg19) VCF-style: chr5-149434812-G-A.
Other names: c.2198C>T, p.Ala733Val (NM_001375321.1); c.2642C>T, p.Ala881Val (NM_005211.4, NM_001349736.2, NM_001375320.1); short protein forms A733V, A881V.
Identifiers: ClinVar variation 4888185 (VCV004888185.1).